The following is an entry in ClinVar:

ClinVar aggregate classification (germline): Uncertain significance (1 of 4 stars; one submission).

Conditions:
Vici syndrome (VICIS). Identifiers: Orphanet 1493, MedGen C1855772, MONDO:0009452, OMIM 242840.

Allele frequency attached by ClinVar (database versions not stated): gnomAD 0.00001; gnomAD exomes 0.00001; TOPMed 0.00001; ExAC 0.00002.
gnomAD v4.1: 22 of 1,613,104 alleles (0.0014%); highest among the groups gnomAD compares: East Asian, 0.0022%; no homozygotes.

Submission:

Labcorp Genetics (formerly Invitae), Labcorp
Classification: Uncertain significance for Vici syndrome. Last evaluated: 2022-02-22. Review status: criteria provided, single submitter. Criteria: Invitae Variant Classification Sherloc (09022015). Collection method: clinical testing. Allele origin: germline.
Comment: This sequence change replaces threonine, which is neutral and polar, with serine, which is neutral and polar, at codon 1462 of the EPG5 protein (p.Thr1462Ser). This variant is present in population databases (rs750614729, gnomAD 0.003%). This variant has not been reported in the literature in individuals affected with EPG5-related conditions. Algorithms developed to predict the effect of missense changes on protein structure and function output the following: SIFT: "Tolerated"; PolyPhen-2: "Possibly Damaging"; Align-GVGD: "Class C0". The serine amino acid residue is found in multiple mammalian species, which suggests that this missense change does not adversely affect protein function. In summary, the available evidence is currently insufficient to determine the role of this variant in disease. Therefore, it has been classified as a Variant of Uncertain Significance.

NM_020964.3(EPG5):c.4385C>G (p.Thr1462Ser)

Gene: EPG5 (ectopic P-granules 5 autophagy tethering factor; minus strand). Cytogenetic location: 18q21.1.
Variant type: single nucleotide variant.
Coding change: c.4385C>G on transcript NM_020964.3 (MANE Select); coding-DNA position 4385, C replaced by G.
Protein change: p.Thr1462Ser; replaces threonine 1462 with serine.
Molecular consequence: missense variant.
Genome position (GRCh38, 1-based): chr18:45,904,062, G>C on the plus strand (C>G on the coding strand, the complement: EPG5 is on the minus strand). VCF-style: chr18-45904062-G-C. GRCh37 (hg19) VCF-style: chr18-43484027-G-C.
Other names: c.4385C>G, p.Thr1462Ser (NM_001410858.1, NM_001410859.1); short protein forms T1462S.
Identifiers: ClinVar variation 2176593 (VCV002176593.1), dbSNP rs750614729, ClinGen allele CA8948876.